The following is an entry in ClinVar:

NM_001329943.3(KIAA0586):c.411-1G>A

Gene: KIAA0586 (KIAA0586; plus strand). Cytogenetic location: 14q23.1.
Variant type: single nucleotide variant.
Coding change: c.411-1G>A on transcript NM_001329943.3 (MANE Select); the canonical splice acceptor site of the intron before coding-DNA position 411, G replaced by A.
Molecular consequence: splice acceptor variant.
Genome position (GRCh38, 1-based): chr14:58,442,705, G>A. VCF-style: chr14-58442705-G-A. GRCh37 (hg19) VCF-style: chr14-58909423-G-A.
Other names: c.570-1G>A (NM_001244189.2); c.366-1G>A (NM_001244190.2); c.279-1G>A (NM_001244192.2); c.156-1G>A (NM_001244191.2, NM_001364701.2, NM_001329945.2 and 1 more transcripts); c.411-1G>A (NM_001329944.2, NM_001329946.2, NM_001329947.2 and 1 more transcripts); c.-10-1G>A (NM_001244193.2).
Identifiers: ClinVar variation 5001708 (VCV005001708.2).

ClinVar aggregate classification (germline): Likely pathogenic. Review status: criteria provided, multiple submitters, no conflicts (2 of 4 stars). 2 submissions from 2 submitters: Likely pathogenic (2). Last evaluated 2024-12-17.

Conditions:
KIAA0586-related disorder. Also called: KIAA0586-related condition; KIAA0586- Related disorders.
Short-rib thoracic dysplasia 14 with polydactyly (SRTD14). Identifiers: Orphanet 397715, MedGen C4225286, MONDO:0014688, OMIM 616546.
Joubert syndrome 23 (JBTS23). Identifiers: Orphanet 475, MedGen C4084822, MONDO:0014664, OMIM 616490.

Submissions (2):

PreventionGenetics, part of Exact Sciences
Classification: Likely pathogenic for KIAA0586-related condition. Last evaluated: 2024-12-17. Review status: criteria provided, single submitter. Criteria: ACMG Guidelines, 2015. Collection method: clinical testing. Allele origin: germline.
Comment: The KIAA0586 c.570-1G>A variant is predicted to disrupt the AG splice acceptor site and interfere with normal splicing. To our knowledge, this variant has not been reported in the literature or in a large population database (gnomAD), indicating this variant is rare. Variants that disrupt the consensus splice acceptor site in KIAA0586 are expected to be pathogenic. This variant is interpreted as likely pathogenic.

Juno Genomics, Hangzhou Juno Genomics, Inc
Classification: Likely pathogenic for Joubert syndrome 23; Short-rib thoracic dysplasia 14 with polydactyly. Review status: criteria provided, single submitter. Criteria: ACMG Guidelines, 2015. Collection method: clinical testing. Allele origin: germline.
Comment: Null variant in a gene where loss of function (LOF) is a known mechanism of disease.;Absent from controls (or at extremely low frequency if recessive) in Genome Aggregation Database.